The following is an entry in ClinVar:

ClinVar aggregate classification (germline): Uncertain significance (1 of 4 stars; one submission).

Conditions:
Combined immunodeficiency due to LRBA deficiency. Also called: Common variable immunodeficiency 8, with autoimmunity. Identifiers: Orphanet 445018, MedGen C3553512, MONDO:0013863, OMIM 614700.

Submission:

Labcorp Genetics (formerly Invitae), Labcorp
Classification: Uncertain significance for Combined immunodeficiency due to LRBA deficiency. Last evaluated: 2022-07-19. Review status: criteria provided, single submitter. Criteria: Invitae Variant Classification Sherloc (09022015). Collection method: clinical testing. Allele origin: germline.
Comment: In summary, the available evidence is currently insufficient to determine the role of this variant in disease. Therefore, it has been classified as a Variant of Uncertain Significance. Algorithms developed to predict the effect of missense changes on protein structure and function are either unavailable or do not agree on the potential impact of this missense change (SIFT: "Not Available"; PolyPhen-2: "Probably Damaging"; Align-GVGD: "Not Available"). ClinVar contains an entry for this variant (Variation ID: 1406332). This variant has not been reported in the literature in individuals affected with LRBA-related conditions. Information on the frequency of this variant in the gnomAD database is not available, as this variant may be reported differently in the database. This sequence change replaces tyrosine, which is neutral and polar, with serine, which is neutral and polar, at codon 2670 of the LRBA protein (p.Tyr2670Ser).

NM_001364905.1(LRBA):c.7976_7977delinsCA (p.Tyr2659Ser)

Gene: LRBA (LPS responsive beige-like anchor protein; minus strand). Cytogenetic location: 4q31.3.
Variant type: Indel.
Coding change: c.7976_7977delinsCA on transcript NM_001364905.1 (MANE Select); coding-DNA positions 7976 to 7977, AT replaced by CA.
Protein change: p.Tyr2659Ser; replaces tyrosine 2659 with serine.
Molecular consequence: missense variant.
Genome position (GRCh38, 1-based): chr4:150,302,665-150,302,666, AT replaced by TG on the plus strand (AT replaced by CA on the coding strand, the reverse complement: LRBA is on the minus strand). VCF-style: chr4-150302665-AT-TG. GRCh37 (hg19) VCF-style: chr4-151223817-AT-TG.
Other names: c.7976_7977delATinsCA, p.Tyr2659Ser (NM_001199282.3); c.7991_7992delinsCA, p.Tyr2664Ser (NM_001367550.1); c.8009_8010delATinsCA, p.Tyr2670Ser (NM_006726.5); short protein forms Y2659S, Y2670S, Y2664S.
Identifiers: ClinVar variation 1406332 (VCV001406332.9), dbSNP rs2126847962, ClinGen allele CA2573138081.